The following is an entry in ClinVar:

ClinVar aggregate classification (germline): Likely pathogenic (1 of 4 stars; one submission).

Conditions:
Familial dysautonomia. Also called: HSAN III; FD. Identifiers: Orphanet 1764, MedGen C0013364, MONDO:0009131, OMIM 223900. Disease mechanism: loss of function.

Submission:

Myriad Genetics, Inc.
Classification: Likely pathogenic for Familial dysautonomia. Last evaluated: 2022-01-27. Review status: criteria provided, single submitter. Criteria: Myriad Women's Health Autosomal Recessive and X-Linked Classification Criteria (2021). Collection method: clinical testing. Allele origin: unknown.
Comment: NM_003640.3(ELP1):c.343_344delAT(M115Efs*5) is expected to be pathogenic in the context of familial dysautonomia. This variant is predicted to lead to an abnormal or absent protein product due to the creation of a premature termination codon in ELP1, a gene where loss-of-function variants are known to be pathogenic. Please note: this variant was assessed in the context of healthy population screening.

NM_003640.5(ELP1):c.343_344del (p.Met115fs)

Gene: ELP1 (elongator acetyltransferase complex subunit 1; minus strand). Cytogenetic location: 9q31.3.
Variant type: Deletion.
Coding change: c.343_344del on transcript NM_003640.5 (MANE Select); coding-DNA positions 343 to 344, 2 bases deleted (AT; older notation c.343_344delAT).
Protein change: p.Met115fs; shifts the reading frame from methionine 115.
Molecular consequence: frameshift variant. On other transcripts: initiator codon variant (1), 5 prime UTR variant (1).
Genome position (GRCh38, 1-based): chr9:108,927,413-108,927,414, AT deleted on the plus strand (AT on the coding strand, the reverse complement: ELP1 is on the minus strand); deleting any 2 consecutive bases within chr9:108,927,413-108,927,415 gives the same sequence; the c. name uses the placement nearest the transcript's 3' end. VCF-style (leftmost placement, unchanged base first): chr9-108927412-CAT-C. GRCh37 (hg19) VCF-style: chr9-111689692-CAT-C.
Other names: c.1_2del, p.Met1fs (NM_001318360.2); c.-517_-516del (NM_001330749.2); short protein forms M115fs, M1fs.
Identifiers: ClinVar variation 1724144 (VCV001724144.3), dbSNP rs2537958746, ClinGen allele CA2580079349.